The following is an entry in ClinVar:

ClinVar aggregate classification (germline): Likely benign (1 of 4 stars; one submission).

Allele frequency attached by ClinVar (database versions not stated): gnomAD exomes below 0.00001; TOPMed below 0.00001.
gnomAD v4.1: 1 of 1,458,574 alleles (0.000069%); highest among the groups gnomAD compares: Non-Finnish European, 0.000095%; no homozygotes.

Submission:

Women's Health and Genetics/Laboratory Corporation of America, LabCorp
Classification: Likely benign. Last evaluated: 2023-12-07. Review status: criteria provided, single submitter. Criteria: LabCorp Variant Classification Summary - May 2015. Collection method: clinical testing. Allele origin: germline.
Comment: Variant summary: JMJD3 c.457-13C>T alters a non-conserved nucleotide located at a position not widely known to affect splicing. Consensus agreement among computation tools predict no significant impact on normal splicing. However, these predictions have yet to be confirmed by functional studies. The variant allele was found at a frequency of 7.6e-07 in 1307928 control chromosomes. The available data on variant occurrences in the general population are insufficient to allow any conclusion about variant significance. To our knowledge, no occurrence of c.457-13C>T in individuals affected with Neurodevelopmental Disorder With Coarse Facies And Mild Distal Skeletal Abnormalities and no experimental evidence demonstrating its impact on protein function have been reported. No submitters have cited clinical-significance assessments for this variant to ClinVar after 2014. Based on the evidence outlined above, the variant was classified as likely benign.

NM_001348716.2(KDM6B):c.457-13C>T

Gene: KDM6B (lysine demethylase 6B; plus strand). Cytogenetic location: 17p13.1.
Variant type: single nucleotide variant.
Coding change: c.457-13C>T on transcript NM_001348716.2 (MANE Select); 13 bases into the intron before coding-DNA position 457, C replaced by T.
Molecular consequence: intron variant.
Genome position (GRCh38, 1-based): chr17:7,846,387, C>T. VCF-style: chr17-7846387-C-T. GRCh37 (hg19) VCF-style: chr17-7749705-C-T.
Other names: c.457-13C>T (NM_001080424.2).
Identifiers: ClinVar variation 2691495 (VCV002691495.1), dbSNP rs2078537997, ClinGen allele CA497946509.
Genomic context (GRCh38, chr17:7,846,387, plus strand): 5'-ATTGTACGATTGTGCCTTCTGGCTCAGTGCCCCACCTGACATCTGCCCCTGCCCCGTGTC[C>T]CCCCACCCCCAGGCCCAGCTCTGGAACTTTCATACTGGCTCCTGCCAGCACCGAGCCAAG-3'